The following is an entry in ClinVar:

ClinVar aggregate classification (germline): Uncertain significance (1 of 4 stars; one submission).

Conditions:
Primary ciliary dyskinesia. Also called: Ciliary dyskinesia. Identifiers: Orphanet 244, MedGen C0008780, MONDO:0016575, HP:0012265.

Submission:

Labcorp Genetics (formerly Invitae), Labcorp
Classification: Uncertain significance for Primary ciliary dyskinesia. Last evaluated: 2023-03-01. Review status: criteria provided, single submitter. Criteria: Invitae Variant Classification Sherloc (09022015). Collection method: clinical testing. Allele origin: germline.
Comment: In summary, the available evidence is currently insufficient to determine the role of this variant in disease. Therefore, it has been classified as a Variant of Uncertain Significance. Advanced modeling of protein sequence and biophysical properties (such as structural, functional, and spatial information, amino acid conservation, physicochemical variation, residue mobility, and thermodynamic stability) performed at Invitae indicates that this missense variant is not expected to disrupt RPGR (ORF15) protein function. ClinVar contains an entry for this variant (Variation ID: 2170080). This variant has not been reported in the literature in individuals affected with RPGR (ORF15)-related conditions. This variant is not present in population databases (gnomAD no frequency). This sequence change replaces glutamic acid, which is acidic and polar, with lysine, which is basic and polar, at codon 896 of the RPGR (ORF15) protein (p.Glu896Lys).

NM_001034853.2(RPGR):c.2686G>A (p.Glu896Lys)

Gene: RPGR (retinitis pigmentosa GTPase regulator; minus strand). Cytogenetic location: Xp11.4.
Variant type: single nucleotide variant.
Coding change: c.2686G>A on transcript NM_001034853.2 (MANE Select); coding-DNA position 2686, G replaced by A.
Protein change: p.Glu896Lys; replaces glutamic acid 896 with lysine.
Molecular consequence: missense variant. On other transcripts: intron variant (8).
Genome position (GRCh38, 1-based): chrX:38,286,313, C>T on the plus strand (G>A on the coding strand, the complement: RPGR is on the minus strand). VCF-style: chrX-38286313-C-T. GRCh37 (hg19) VCF-style: chrX-38145566-C-T.
Other names: c.1569+4646G>A (NM_001367249.1, NM_001367250.1); c.1902+781G>A (NM_001367245.1); c.1386+4646G>A (NM_001367251.1); c.1719+781G>A (NM_001367246.1); c.1572+4646G>A (NM_001367247.1); c.1905+781G>A (NM_000328.3); c.1602+4646G>A (NM_001367248.1); short protein forms E896K.
Identifiers: ClinVar variation 2170080 (VCV002170080.3), dbSNP rs2519788018, ClinGen allele CA412730031.